The following is an entry in ClinVar:

NM_001199267.2(DGKZ):c.200C>T (p.Pro67Leu)

Gene: DGKZ (diacylglycerol kinase zeta; plus strand). Cytogenetic location: 11p11.2.
Variant type: single nucleotide variant.
Coding change: c.200C>T on transcript NM_001199267.2 (MANE Select); coding-DNA position 200, C replaced by T.
Protein change: p.Pro67Leu; replaces proline 67 with leucine.
Molecular consequence: missense variant.
Genome position (GRCh38, 1-based): chr11:46,367,329, C>T. VCF-style: chr11-46367329-C-T. GRCh37 (hg19) VCF-style: chr11-46388879-C-T.
Other names: c.767C>T, p.Pro256Leu (NM_001105540.2); c.200C>T, p.Pro67Leu (NM_001199266.2, NM_001199268.2, NM_003646.4); c.251C>T, p.Pro84Leu (NM_201532.3); c.215C>T, p.Pro72Leu (NM_201533.3); c.767C>T (NM_001105540.1); short protein forms P256L, P67L, P72L, P84L.
Identifiers: ClinVar variation 3629406 (VCV003629406.3).

ClinVar aggregate classification (germline): Uncertain significance. Review status: criteria provided, multiple submitters, no conflicts (2 of 4 stars). 2 submissions from 2 submitters: Uncertain significance (2). Last evaluated 2025-06-12.

gnomAD v4.1: 56 of 1,612,774 alleles (0.0035%); highest among the groups gnomAD compares: Middle Eastern, 0.088%; no homozygotes.

Submissions (2):

Labcorp Genetics (formerly Invitae), Labcorp
Classification: Uncertain significance. Last evaluated: 2025-06-12. Review status: criteria provided, single submitter. Criteria: Invitae Variant Classification Sherloc (09022015). Collection method: clinical testing. Allele origin: germline.
Comment: This sequence change replaces proline, which is neutral and non-polar, with leucine, which is neutral and non-polar, at codon 256 of the DGKZ protein (p.Pro256Leu). This variant is present in population databases (rs755605885, gnomAD 0.07%), and has an allele count higher than expected for a pathogenic variant. This variant has not been reported in the literature in individuals affected with DGKZ-related conditions. ClinVar contains an entry for this variant (Variation ID: 3629406). An algorithm developed to predict the effect of missense changes on protein structure and function outputs the following: PolyPhen-2: "Benign". The leucine amino acid residue is found in multiple mammalian species, which suggests that this missense change does not adversely affect protein function. In summary, the available evidence is currently insufficient to determine the role of this variant in disease. Therefore, it has been classified as a Variant of Uncertain Significance.

Ambry Genetics
Classification: Uncertain significance. Last evaluated: 2025-03-07. Review status: criteria provided, single submitter. Criteria: Ambry Variant Classification Scheme 2023. Collection method: clinical testing. Allele origin: germline.